The following is an entry in ClinVar:

NM_004752.4(GCM2):c.1236G>C (p.Ser412=)

Gene: GCM2 (glial cells missing transcription factor 2; minus strand). Cytogenetic location: 6p24.2.
Variant type: single nucleotide variant.
Coding change: c.1236G>C on transcript NM_004752.4 (MANE Select); coding-DNA position 1236, G replaced by C.
Protein change: p.Ser412=; no amino-acid change (serine 412 retained).
Molecular consequence: synonymous variant.
Genome position (GRCh38, 1-based): chr6:10,874,280, C>G on the plus strand (G>C on the coding strand, the complement: GCM2 is on the minus strand). VCF-style: chr6-10874280-C-G. GRCh37 (hg19) VCF-style: chr6-10874513-C-G.
Other names: c.1236G>C (NM_004752.3).
Identifiers: ClinVar variation 2720535 (VCV002720535.5), dbSNP rs149925208, ClinGen allele CA3633923.

ClinVar aggregate classification (germline): Likely benign. Review status: criteria provided, single submitter (1 of 4 stars). 2 submissions from 2 submitters: Likely benign (1). 1 of the submissions does not count toward it. Last evaluated 2025-05-18.

Conditions:
GCM2-related disorder. Also called: GCM2-related condition.

Allele frequency attached by ClinVar (database versions not stated): ESP Exome Variant Server 0.00031; 1000 Genomes Project 0.00020; 1000 Genomes Project 30x 0.00031.
gnomAD v4.1: 95 of 1,614,200 alleles (0.0059%); highest among the groups gnomAD compares: African/African-American, 0.12%; no homozygotes.

Submissions (2):

Labcorp Genetics (formerly Invitae), Labcorp
Classification: Likely benign. Last evaluated: 2025-05-18. Review status: criteria provided, single submitter. Criteria: Invitae Variant Classification Sherloc (09022015). Collection method: clinical testing. Allele origin: germline.

PreventionGenetics, part of Exact Sciences
Classification: Likely benign for GCM2-related condition. Last evaluated: 2019-11-26. Review status: no assertion criteria provided. Collection method: clinical testing. Allele origin: germline. Not counted in ClinVar's aggregate classification.
Comment: This variant is classified as likely benign based on ACMG/AMP sequence variant interpretation guidelines (Richards et al. 2015 PMID: 25741868, with internal and published modifications).